The following is an entry in ClinVar:

ClinVar aggregate classification (germline): Uncertain significance (1 of 4 stars; one submission).

Allele frequency attached by ClinVar (database versions not stated): gnomAD exomes 0.00001.
gnomAD v4.1: 4 of 1,613,910 alleles (0.00025%); highest among the groups gnomAD compares: East Asian, 0.0067%; no homozygotes.

Submission:

Labcorp Genetics (formerly Invitae), Labcorp
Classification: Uncertain significance. Last evaluated: 2022-06-17. Review status: criteria provided, single submitter. Criteria: Invitae Variant Classification Sherloc (09022015). Collection method: clinical testing. Allele origin: germline.
Comment: In summary, the available evidence is currently insufficient to determine the role of this variant in disease. Therefore, it has been classified as a Variant of Uncertain Significance. Advanced modeling of protein sequence and biophysical properties (such as structural, functional, and spatial information, amino acid conservation, physicochemical variation, residue mobility, and thermodynamic stability) performed at Invitae indicates that this missense variant is not expected to disrupt FAT4 protein function. This variant has not been reported in the literature in individuals affected with FAT4-related conditions. This variant is not present in population databases (gnomAD no frequency). This sequence change replaces proline, which is neutral and non-polar, with threonine, which is neutral and polar, at codon 4408 of the FAT4 protein (p.Pro4408Thr).

NM_001291303.3(FAT4):c.13228C>A (p.Pro4410Thr)

Gene: FAT4 (FAT atypical cadherin 4; plus strand). Cytogenetic location: 4q28.1.
Variant type: single nucleotide variant.
Coding change: c.13228C>A on transcript NM_001291303.3 (MANE Select); coding-DNA position 13228, C replaced by A.
Protein change: p.Pro4410Thr; replaces proline 4410 with threonine.
Molecular consequence: missense variant.
Genome position (GRCh38, 1-based): chr4:125,490,044, C>A. VCF-style: chr4-125490044-C-A. GRCh37 (hg19) VCF-style: chr4-126411199-C-A.
Other names: c.13225C>A, p.Pro4409Thr (NM_001291285.3); c.13222C>A, p.Pro4408Thr (NM_024582.6); short protein forms P4408T, P4409T, P4410T.
Identifiers: ClinVar variation 2042560 (VCV002042560.4), dbSNP rs1560638971, ClinGen allele CA358135937.